The following is an entry in ClinVar:

NM_181581.3(DUS4L):c.-110-94C>A

Genes: COG5 (component of oligomeric golgi complex 5; minus strand), DUS4L (dihydrouridine synthase 4 like; plus strand), DUS4L-BCAP29 (DUS4L-BCAP29 readthrough; plus strand). Cytogenetic location: 7q22.3.
Variant type: single nucleotide variant.
Coding change: c.-110-94C>A on transcript NM_181581.3 (MANE Select); 94 bases into the intron before 110 bases upstream of the start codon, C replaced by A.
Molecular consequence: intron variant.
Genome position (GRCh38, 1-based): chr7:107,564,494, C>A. VCF-style: chr7-107564494-C-A. GRCh37 (hg19) VCF-style: chr7-107204939-C-A.
Other names: NC_000007.13:g.107204939C>A; c.-110-94C>A (NM_001371365.2, NM_001371364.2, NM_001371366.2 and 1 more transcripts); c.-22+285C>A (NM_001371367.2).
Identifiers: ClinVar variation 358490 (VCV000358490.30), dbSNP rs145603444, ClinGen allele CA10627899.

ClinVar aggregate classification (germline): Conflicting classifications of pathogenicity. Review status: criteria provided, conflicting classifications (1 of 4 stars). 2 submissions from 2 submitters: Uncertain significance (1); Benign (1). Last evaluated 2023-05-01.

Conditions:
COG5-congenital disorder of glycosylation. Also called: COG5-CDG; CDG IIi; CONGENITAL DISORDER OF GLYCOSYLATION, TYPE IIi. Identifiers: Orphanet 263487, MedGen C3150876, MONDO:0013325, OMIM 613612.

Allele frequency attached by ClinVar (database versions not stated): 1000 Genomes Project 0.00399; gnomAD exomes 0.00515; gnomAD 0.00625 and 0.00607; TOPMed 0.00630; 1000 Genomes Project 30x 0.00422.
gnomAD v4.1: 960 of 156,366 alleles (0.61%); highest among the groups gnomAD compares: Admixed American, 1.4%; 5 homozygotes.

Submissions (8):

CeGaT Center for Human Genetics Tuebingen
Classification: Benign. Last evaluated: 2023-05-01. Review status: criteria provided, single submitter. Criteria: CeGaT Center For Human Genetics Tuebingen Variant Classification Criteria Version 2. Collection method: clinical testing. Allele origin: germline. Affected: yes. Observed: 4 variant alleles.
Comment: DUS4L: BS1, BS2; DUS4L-BCAP29: BS1, BS2

Illumina Laboratory Services, Illumina
Classification: Uncertain significance for COG5-congenital disorder of glycosylation. Last evaluated: 2018-01-13. Review status: criteria provided, single submitter. Criteria: ICSL Variant Classification Criteria 13 December 2019. Collection method: clinical testing. Allele origin: germline.

Dr. Peter K. Rogan Lab, Western University
No classification provided (evidence only). Condition: Acute myeloid leukemia. Review status: no classification provided. Collection method: in vitro. Allele origin: not applicable. Functional consequence: retained intron. Not counted in ClinVar's aggregate classification.

Dr. Peter K. Rogan Lab, Western University
No classification provided (evidence only). Condition: Chronic lymphocytic leukemia/small lymphocytic lymphoma. Review status: no classification provided. Collection method: in vitro. Allele origin: not applicable. Functional consequence: retained intron. Not counted in ClinVar's aggregate classification.

Dr. Peter K. Rogan Lab, Western University
No classification provided (evidence only). Condition: Chronic lymphocytic leukemia/small lymphocytic lymphoma. Review status: no classification provided. Collection method: in vitro. Allele origin: not applicable. Functional consequence: retained intron. Not counted in ClinVar's aggregate classification.

Dr. Peter K. Rogan Lab, Western University
No classification provided (evidence only). Condition: Nonpapillary renal cell carcinoma. Review status: no classification provided. Collection method: in vitro. Allele origin: not applicable. Functional consequence: skipped exon. Not counted in ClinVar's aggregate classification.

Dr. Peter K. Rogan Lab, Western University
No classification provided (evidence only). Condition: Familial pancreatic carcinoma. Review status: no classification provided. Collection method: in vitro. Allele origin: not applicable. Functional consequence: retained intron. Not counted in ClinVar's aggregate classification.

Dr. Peter K. Rogan Lab, Western University
No classification provided (evidence only). Condition: Ovarian cancer. Review status: no classification provided. Collection method: in vitro. Allele origin: not applicable. Functional consequence: retained intron. Not counted in ClinVar's aggregate classification.